The following is an entry in ClinVar:

ClinVar aggregate classification (germline): Uncertain significance (1 of 4 stars; one submission).

Conditions:
COL11A2-related disorder. Also called: COL11A2-related condition; COL11A2-related disorders.

gnomAD v4.1: 1 of 1,612,736 alleles (0.000062%); highest among the groups gnomAD compares: Non-Finnish European, 0.000085%; no homozygotes.

Submission:

PreventionGenetics, part of Exact Sciences
Classification: Uncertain significance for COL11A2-related condition. Last evaluated: 2026-07-14. Review status: criteria provided, single submitter. Criteria: ACMG Guidelines, 2015. Collection method: clinical testing. Allele origin: germline.
Comment: The COL11A2 c.1899G>C variant is predicted to result in the amino acid substitution p.Gln633His. To our knowledge, this variant has not been reported in the literature or in a large population database (gnomAD), indicating this variant is rare. At this time, the clinical significance of this variant is uncertain due to the absence of conclusive functional and genetic evidence.

NM_080680.3(COL11A2):c.1899G>C (p.Gln633His)

Gene: COL11A2 (collagen type XI alpha 2 chain; minus strand). Cytogenetic location: 6p21.32.
Variant type: single nucleotide variant.
Coding change: c.1899G>C on transcript NM_080680.3 (MANE Select); coding-DNA position 1899, G replaced by C.
Protein change: p.Gln633His; replaces glutamine 633 with histidine.
Molecular consequence: missense variant.
Genome position (GRCh38, 1-based): chr6:33,177,680, C>G on the plus strand (G>C on the coding strand, the complement: COL11A2 is on the minus strand). VCF-style: chr6-33177680-C-G. GRCh37 (hg19) VCF-style: chr6-33145457-C-G.
Other names: c.1719G>C, p.Gln573His (NM_001424108.1); c.1053G>C, p.Gln351His (NM_001424109.1); c.873G>C, p.Gln291His (NM_001424110.1, NM_001424111.1); c.1578G>C, p.Gln526His (NM_080679.3); c.1641G>C, p.Gln547His (NM_080681.3); short protein forms Q291H, Q351H, Q547H, Q573H, Q633H, Q526H.
Identifiers: ClinVar variation 4992999 (VCV004992999.1).